The following is an entry in ClinVar:

NM_004259.7(RECQL5):c.2539G>A (p.Ala847Thr)

Gene: RECQL5 (RecQ like helicase 5; minus strand). Cytogenetic location: 17q25.1.
Variant type: single nucleotide variant.
Coding change: c.2539G>A on transcript NM_004259.7 (MANE Select); coding-DNA position 2539, G replaced by A.
Protein change: p.Ala847Thr; replaces alanine 847 with threonine.
Molecular consequence: missense variant.
Genome position (GRCh38, 1-based): chr17:75,628,713, C>T on the plus strand (G>A on the coding strand, the complement: RECQL5 is on the minus strand). VCF-style: chr17-75628713-C-T. GRCh37 (hg19) VCF-style: chr17-73624793-C-T.
Other names: short protein forms A847T.
Identifiers: ClinVar variation 2459878 (VCV002459878.4), dbSNP rs768609752, ClinGen allele CA8767012.

ClinVar aggregate classification (germline): Likely benign. Review status: criteria provided, single submitter (1 of 4 stars). 2 submissions from 2 submitters: Likely benign (1). 1 of the submissions does not count toward it. Last evaluated 2023-01-25.

Conditions:
RECQL5-related disorder. Also called: RECQL5-related condition.

Allele frequency attached by ClinVar (database versions not stated): gnomAD 0.00001; ExAC 0.00002; TOPMed 0.00002; gnomAD exomes 0.00007.
gnomAD v4.1: 108 of 1,590,414 alleles (0.0068%); highest among the groups gnomAD compares: Non-Finnish European, 0.0088%; no homozygotes.

Submissions (2):

Ambry Genetics
Classification: Likely benign. Last evaluated: 2023-01-25. Review status: criteria provided, single submitter. Criteria: Ambry Variant Classification Scheme 2023. Collection method: clinical testing. Allele origin: germline.

PreventionGenetics, part of Exact Sciences
Classification: Uncertain significance for RECQL5-related condition. Last evaluated: 2024-02-12. Review status: no assertion criteria provided. Collection method: clinical testing. Allele origin: germline. Not counted in ClinVar's aggregate classification.
Comment: The RECQL5 c.2539G>A variant is predicted to result in the amino acid substitution p.Ala847Thr. To our knowledge, this variant has not been reported in the literature. This variant is reported in 0.0050% of alleles in individuals of European (Non-Finnish) descent in gnomAD and is interpreted as likely benign in ClinVar. At this time, the clinical significance of this variant is uncertain due to the absence of conclusive functional and genetic evidence.